The following is an entry in ClinVar:

NM_000843.4(GRM6):c.1411_1413del (p.Asp471del)

Genes: GRM6 (glutamate metabotropic receptor 6; minus strand), ZNF454 (zinc finger protein 454; plus strand). Cytogenetic location: 5q35.3.
Variant type: Deletion.
Coding change: c.1411_1413del on transcript NM_000843.4 (MANE Select); coding-DNA positions 1411 to 1413, 3 bases deleted (GAC; older notation c.1411_1413delGAC).
Protein change: p.Asp471del; deletes aspartic acid 471.
Molecular consequence: inframe deletion.
Genome position (GRCh38, 1-based): chr5:178,986,925-178,986,927, GTC deleted on the plus strand (GAC on the coding strand, the reverse complement: GRM6 is on the minus strand); deleting any 3 consecutive bases within chr5:178,986,925-178,986,929 gives the same sequence; the c. name uses the placement nearest the transcript's 3' end. VCF-style (leftmost placement, unchanged base first): chr5-178986924-TGTC-T. GRCh37 (hg19) VCF-style: chr5-178413925-TGTC-T.
Other names: short protein forms D471del.
Identifiers: ClinVar variation 1514264 (VCV001514264.6), dbSNP rs1327392142, ClinGen allele CA808236589.

ClinVar aggregate classification (germline): Uncertain significance (1 of 4 stars; one submission).

Submission:

Labcorp Genetics (formerly Invitae), Labcorp
Classification: Uncertain significance. Last evaluated: 2021-08-20. Review status: criteria provided, single submitter. Criteria: Invitae Variant Classification Sherloc (09022015). Collection method: clinical testing. Allele origin: germline.
Comment: In summary, the available evidence is currently insufficient to determine the role of this variant in disease. Therefore, it has been classified as a Variant of Uncertain Significance. Experimental studies and prediction algorithms are not available or were not evaluated, and the functional significance of this variant is currently unknown. This variant has not been reported in the literature in individuals affected with GRM6-related conditions. This variant is not present in population databases (ExAC no frequency). This variant, c.1411_1413del, results in the deletion of 1 amino acid(s) of the GRM6 protein (p.Asp471del), but otherwise preserves the integrity of the reading frame.